The following is an entry in ClinVar:

ClinVar aggregate classification (germline): Uncertain significance. Review status: criteria provided, multiple submitters, no conflicts (2 of 4 stars). 2 submissions from 2 submitters: Uncertain significance (2). Last evaluated 2023-11-25.

Conditions:
Familial cancer of breast. Also called: BREAST CANCER, FAMILIAL; Hereditary breast cancer; hereditary breast carcinoma. Identifiers: Orphanet 227535, MedGen C0346153, MONDO:0016419, OMIM 114480. Disease mechanism: loss of function.
Hereditary cancer-predisposing syndrome. Also called: Neoplastic Syndromes, Hereditary; Tumor predisposition; Hereditary Cancer Syndrome; Hereditary neoplastic syndrome. Identifiers: Orphanet 140162, MedGen C0027672, MeSH D009386, MONDO:0015356.

Submissions (2):

Labcorp Genetics (formerly Invitae), Labcorp
Classification: Uncertain significance for Familial cancer of breast. Last evaluated: 2023-11-25. Review status: criteria provided, single submitter. Criteria: Invitae Variant Classification Sherloc (09022015). Collection method: clinical testing. Allele origin: germline.
Comment: This sequence change replaces isoleucine, which is neutral and non-polar, with arginine, which is basic and polar, at codon 169 of the BARD1 protein (p.Ile169Arg). This variant is not present in population databases (gnomAD no frequency). This variant has not been reported in the literature in individuals affected with BARD1-related conditions. ClinVar contains an entry for this variant (Variation ID: 482817). An algorithm developed to predict the effect of missense changes on protein structure and function (PolyPhen-2) suggests that this variant is likely to be tolerated. In summary, the available evidence is currently insufficient to determine the role of this variant in disease. Therefore, it has been classified as a Variant of Uncertain Significance.

Ambry Genetics
Classification: Uncertain significance for Hereditary cancer-predisposing syndrome. Last evaluated: 2023-04-23. Review status: criteria provided, single submitter. Criteria: Ambry Variant Classification Scheme 2023. Collection method: clinical testing. Allele origin: germline.
Comment: The p.I169R variant (also known as c.506T>G), located in coding exon 4 of the BARD1 gene, results from a T to G substitution at nucleotide position 506. The isoleucine at codon 169 is replaced by arginine, an amino acid with similar properties. This amino acid position is poorly conserved in available vertebrate species. In addition, this alteration is predicted to be tolerated by in silico analysis. Since supporting evidence is limited at this time, the clinical significance of this alteration remains unclear.

NM_000465.4(BARD1):c.506T>G (p.Ile169Arg)

Gene: BARD1 (BRCA1 associated RING domain 1; minus strand). Cytogenetic location: 2q35.
Variant type: single nucleotide variant.
Coding change: c.506T>G on transcript NM_000465.4 (MANE Select); coding-DNA position 506, T replaced by G.
Protein change: p.Ile169Arg; replaces isoleucine 169 with arginine.
Molecular consequence: missense variant. On other transcripts: non-coding transcript variant (2), intron variant (3).
Genome position (GRCh38, 1-based): chr2:214,781,368, A>C on the plus strand (T>G on the coding strand, the complement: BARD1 is on the minus strand). VCF-style: chr2-214781368-A-C. GRCh37 (hg19) VCF-style: chr2-215646092-A-C.
Other names: c.449T>G, p.Ile150Arg (NM_001282543.2); c.158+28044T>G (NM_001282548.2); c.215+15693T>G (NM_001282545.2); c.364+10929T>G (NM_001282549.2); short protein forms I169R, I150R.
Identifiers: ClinVar variation 482817 (VCV000482817.14), dbSNP rs1553622645, ClinGen allele CA350457507.
Genomic context (GRCh38, chr2:214,781,368, plus strand): 5'-GCAGGAGGACTTGGGGAAACAAATTCATATGAGTCTTGCTGAGCACTTGCATCTTTTTTT[A>C]TTGCAGGCTGGGTTTGCACTGAAGCTTTACTCACAACATATCTGACTTTCTTACTTCGAG-3'
Protein context (NP_000456.2, residues 159-179): SKASVQTQPA[Ile169Arg]KKDASAQQDS